The following is an entry in ClinVar:

NM_017777.4(MKS1):c.727A>G (p.Thr243Ala)

Gene: MKS1 (MKS transition zone complex subunit 1; minus strand). Cytogenetic location: 17q22.
Variant type: single nucleotide variant.
Coding change: c.727A>G on transcript NM_017777.4 (MANE Select); coding-DNA position 727, A replaced by G.
Protein change: p.Thr243Ala; replaces threonine 243 with alanine.
Molecular consequence: missense variant.
Genome position (GRCh38, 1-based): chr17:58,213,787, T>C on the plus strand (A>G on the coding strand, the complement: MKS1 is on the minus strand). VCF-style: chr17-58213787-T-C. GRCh37 (hg19) VCF-style: chr17-56291148-T-C.
Other names: c.118A>G, p.Thr40Ala (NM_001321268.2); c.727A>G, p.Thr243Ala (NM_001321269.2, NM_001330397.2, NM_001411113.1); short protein forms T243A, T40A.
Identifiers: ClinVar variation 2580573 (VCV002580573.2), dbSNP rs1197155331, ClinGen allele CA400326618.
Genomic context (GRCh38, chr17:58,213,787, plus strand): 5'-AATGCCAGTCTCCACTACCCCTTTCTTCCTCTCCTCACCTGTAGGGTCCTTTGAGGCCCG[T>C]GAAGTCAGGCTTTACTGTGATCACACCATTGCTATCCACCTTCAGAGTACACAGGACATG-3'
Protein context (NP_060247.2, residues 233-253): NGVITVKPDF[Thr243Ala]GLKGPYRIET

ClinVar aggregate classification (germline): Uncertain significance. Review status: criteria provided, multiple submitters, no conflicts (2 of 4 stars). 2 submissions from 2 submitters: Uncertain significance (2). Last evaluated 2024-04-08.

Conditions:
Bardet-Biedl syndrome 13 (BBS13). Identifiers: Orphanet 110, MedGen C2673873, MONDO:0014441, OMIM 615990.
Meckel syndrome, type 1 (MKS1). Also called: MECKEL-GRUBER SYNDROME, TYPE 1. Identifiers: Orphanet 564, MedGen C3714506, MONDO:0009571, OMIM 249000.
Joubert syndrome 28 (JBTS28). Identifiers: MedGen C4310705, MONDO:0014928, OMIM 617121.

Submissions (2):

Fulgent Genetics
Classification: Uncertain significance for Meckel syndrome, type 1; Bardet-Biedl syndrome 13; Joubert syndrome 28. Last evaluated: 2024-04-08. Review status: criteria provided, single submitter. Criteria: ACMG Guidelines, 2015. Collection method: clinical testing. Allele origin: germline.

GeneDx
Classification: Uncertain significance. Last evaluated: 2023-03-21. Review status: criteria provided, single submitter. Criteria: GeneDx Variant Classification Process June 2021. Collection method: clinical testing. Allele origin: germline. Affected: yes.
Comment: Not observed at significant frequency in large population cohorts (gnomAD); In silico analysis supports that this missense variant has a deleterious effect on protein structure/function; Has not been previously published as pathogenic or benign to our knowledge